The following is an entry in ClinVar:

ClinVar aggregate classification (germline): Pathogenic. Review status: criteria provided, multiple submitters, no conflicts (2 of 4 stars). 14 submissions from 14 submitters: Pathogenic (12). 2 of the submissions do not count toward it. Last evaluated 2025-11-12.

Conditions:
TRPS1-related disorder. Also called: TRPS1-related condition.
Langer-Giedion syndrome (TRPS2). Also called: Trichorhinophalangeal Dysplasia Type II (Langer-Giedion Syndrome); Trichorhinophalangeal syndrome type II; CHROMOSOME 8q24.1 DELETION SYNDROME. Identifiers: Orphanet 502, MedGen C0023003, MONDO:0007874, OMIM 150230.
Trichorhinophalangeal dysplasia type I (TRPS1). Also called: TRICHORHINOPHALANGEAL SYNDROME, TYPE I; TRPS I. Identifiers: Orphanet 77258, MedGen C0432233, MONDO:0008596, OMIM 190350.
Trichorhinophalangeal syndrome, type III (TRPS3). Also called: SUGIO-KAJII SYNDROME. Identifiers: Orphanet 77258, MedGen C1860823, OMIM 190351, MONDO:0008597.

Submissions (14):

GeneDx
Classification: Pathogenic. Last evaluated: 2025-11-12. Review status: criteria provided, single submitter. Criteria: GeneDx Variant Classification Process June 2021. Collection method: clinical testing. Allele origin: germline. Affected: yes.
Comment: Identified in multiple unrelated individuals with a clinical diagnosis of trichorhinophalangeal syndrome (reported as c.1591 C>T due to alternate nomenclature) in published literature (PMID: 11112658, 22964620); Nonsense variant predicted to result in protein truncation or nonsense mediated decay in a gene for which loss of function is a known mechanism of disease; Not observed at significant frequency in large population cohorts (gnomAD); This variant is associated with the following publications: (PMID: 23451857, 25525159, 32502225, 11112658, 22964620, 39333051, 28050602)

Labcorp Genetics (formerly Invitae), Labcorp
Classification: Pathogenic for Trichorhinophalangeal syndrome, type III; Trichorhinophalangeal dysplasia type I. Last evaluated: 2025-10-12. Review status: criteria provided, single submitter. Criteria: Invitae Variant Classification Sherloc (09022015). Collection method: clinical testing. Allele origin: germline.
Comment: This sequence change creates a premature translational stop signal (p.Arg544*) in the TRPS1 gene. It is expected to result in an absent or disrupted protein product. Loss-of-function variants in TRPS1 are known to be pathogenic (PMID: 11112658). This variant is not present in population databases (gnomAD no frequency). This premature translational stop signal has been observed in individuals with trichorhinophalangeal syndrome (PMID: 11112658, 22964620, 23451857, 25792522, 28050602). This variant is also known as p.Arg531*. ClinVar contains an entry for this variant (Variation ID: 267746). For these reasons, this variant has been classified as Pathogenic.

CeGaT Center for Human Genetics Tuebingen
Classification: Pathogenic. Last evaluated: 2025-05-01. Review status: criteria provided, single submitter. Criteria: CeGaT Center For Human Genetics Tuebingen Variant Classification Criteria Version 2. Collection method: clinical testing. Allele origin: germline. Affected: yes. Observed: 2 variant alleles.
Comment: TRPS1: PVS1, PS2, PM2, PS4:Moderate

3billion
Classification: Pathogenic for Trichorhinophalangeal dysplasia type I. Last evaluated: 2024-11-26. Review status: criteria provided, single submitter. Criteria: ACMG Guidelines, 2015. Collection method: clinical testing. Allele origin: germline. Affected: yes.
Comment: The variant is not observed in the gnomAD v4.1.0 dataset. Predicted Consequence/Location: Stop-gained (nonsense): predicted to result in a loss or disruption of normal protein function through nonsense-mediated decay (NMD) or protein truncation. Multiple pathogenic variants are reported downstream of the variant. The variant has been reported at least twice as pathogenic with clinical assertions and evidence for the classification (ClinVar ID: VCV000267746 /PMID: 11112658). Therefore, this variant is classified as Pathogenic according to the recommendation of ACMG/AMP guideline.

Blueprint Genetics
Classification: Pathogenic for TRPS1-related disorders. Last evaluated: 2024-11-15. Review status: criteria provided, single submitter. Criteria: ACMG Guidelines, 2015. Collection method: clinical testing. Allele origin: germline. Affected: yes. Observed: 1 variant allele.

Institute of Human Genetics Munich, TUM University Hospital
Classification: Pathogenic for Trichorhinophalangeal dysplasia type I. Last evaluated: 2020-01-16. Review status: criteria provided, single submitter. Criteria: Classification criteria August 2017. Collection method: clinical testing. Allele origin: de novo. Inheritance: Autosomal dominant inheritance. Affected: yes. Observed: 1 heterozygote.

Knight Diagnostic Laboratories, Oregon Health and Sciences University
Classification: Pathogenic for Trichorhinophalangeal syndrome, type i. Last evaluated: 2019-10-09. Review status: criteria provided, single submitter. Criteria: ACMG Guidelines, 2015. Collection method: clinical testing. Allele origin: germline. Observed: 1 variant allele.

Center for Pediatric Genomic Medicine, Children's Mercy Hospital and Clinics
Classification: Pathogenic. Last evaluated: 2017-04-19. Review status: criteria provided, single submitter. Criteria: ACMG Guidelines, 2015. Collection method: clinical testing. Allele origin: germline.

Clinical Genetics and Genomics, Karolinska University Hospital
Classification: Pathogenic. Last evaluated: 2016-05-25. Review status: criteria provided, single submitter. Criteria: ACMG Guidelines, 2015. Collection method: clinical testing. Allele origin: germline. Affected: yes. Observed: 1 variant allele.

Baylor Genetics
Classification: Pathogenic for Trichorhinophalangeal dysplasia type I. Last evaluated: 2016-01-15. Review status: criteria provided, single submitter. Criteria: ACMG Guidelines, 2015. Collection method: clinical testing. Allele origin: de novo. Inheritance: Autosomal dominant inheritance. Affected: yes. Observed: 1 variant allele, 1 heterozygote. Study: Undiagnosed Diseases Network.

Department of Medical Genetics, Sanjay Gandhi Post Graduate Institute of Medical Sciences
Classification: Pathogenic for Trichorhinophalangeal dysplasia type I. Review status: criteria provided, single submitter. Criteria: ACMG Guidelines, 2015. Collection method: clinical testing. Allele origin: de novo. Inheritance: Autosomal dominant inheritance. Affected: yes. Observed: 1 heterozygote.
Comment: Analysis of the data showed a heterozygous sequence variant in TRPS1 gene. It is predicted as pathogenic by MutationTaster. This variant is classified as pathogenic which shows strong evidence of pathogenicity according to ACMG guidelines (Richards et al., 2015).

Institute for Genomic Statistics and Bioinformatics, University Hospital Bonn
Classification: Pathogenic for Langer-Giedion syndrome. Review status: criteria provided, single submitter. Criteria: ACMG Guidelines, 2015. Collection method: clinical testing. Allele origin: unknown. Affected: yes. Observed: 1 variant allele.

PreventionGenetics, part of Exact Sciences
Classification: Pathogenic for TRPS1-related condition. Last evaluated: 2024-06-21. Review status: no assertion criteria provided. Collection method: clinical testing. Allele origin: germline. Not counted in ClinVar's aggregate classification.
Comment: The TRPS1 c.1630C>T variant is predicted to result in premature protein termination (p.Arg544*). This variant has been reported in individuals with tricho-rhino-phalangeal syndrome (reported as p.Arg531*, Ludecke et al. 2001. PubMed ID: 11112658; Ito et al. 2013. PubMed ID: 23451857). This variant, along with a de novo FBN1 variant was reported in one individual with a complex connective tissue phenotype (reported as de novo, Zastrow et al. 2017. PubMed ID: 28050602). This variant has not been reported in a large population database, indicating this variant is rare. Nonsense variants in TRPS1 are expected to be pathogenic. This variant is interpreted as pathogenic.

GeneReviews
No classification provided. Condition: Trichorhinophalangeal dysplasia type I. Review status: no classification provided. Collection method: literature only. Allele origin: germline. Not counted in ClinVar's aggregate classification.

Literature cited by the submitters: PubMed 11112658 (cited by 3 submitters); PubMed 22964620 (cited by Labcorp Genetics (formerly Invitae), Labcorp); PubMed 23451857 (cited by Labcorp Genetics (formerly Invitae), Labcorp and Baylor Genetics); PubMed 25792522 (cited by Labcorp Genetics (formerly Invitae), Labcorp and GeneReviews); PubMed 28050602 (cited by Labcorp Genetics (formerly Invitae), Labcorp); NCBI Bookshelf NBK425926 (cited by GeneReviews).

NM_014112.5(TRPS1):c.1630C>T (p.Arg544Ter)

Gene: TRPS1 (transcriptional repressor GATA binding 1; minus strand). Cytogenetic location: 8q23.3.
Variant type: single nucleotide variant.
Coding change: c.1630C>T on transcript NM_014112.5 (MANE Select); coding-DNA position 1630, C replaced by T.
Protein change: p.Arg544Ter; replaces arginine 544 with a stop codon.
Molecular consequence: nonsense.
Genome position (GRCh38, 1-based): chr8:115,604,339, G>A on the plus strand (C>T on the coding strand, the complement: TRPS1 is on the minus strand). VCF-style: chr8-115604339-G-A. GRCh37 (hg19) VCF-style: chr8-116616566-G-A.
Other names: c.1603C>T, p.Arg535Ter (NM_001282902.3); c.1609C>T, p.Arg537Ter (NM_001282903.3); c.1591C>T, p.Arg531Ter (NM_001330599.2); short protein forms R544*, R535*, R531*, R537*.
Identifiers: ClinVar variation 267746 (VCV000267746.49), dbSNP rs886040971, ClinGen allele CA10602615.